The following is an entry in ClinVar:

ClinVar aggregate classification (germline): Uncertain significance (1 of 4 stars; one submission).

Conditions:
Inborn genetic diseases. Identifiers: MedGen C0950123, MeSH D030342.

gnomAD v4.1: 2 of 1,614,122 alleles (0.00012%); highest among the groups gnomAD compares: East Asian, 0.0045%; no homozygotes.

Submission:

Ambry Genetics
Classification: Uncertain significance for Inborn genetic diseases. Last evaluated: 2026-08-10. Review status: criteria provided, single submitter. Criteria: Ambry Variant Classification Scheme 2023. Collection method: clinical testing. Allele origin: germline.
Comment: The p.L141V variant (also known as c.421C>G), located in coding exon 3 of the USB1 gene, results from a C to G substitution at nucleotide position 421. The leucine at codon 141 is replaced by valine, an amino acid with highly similar properties. This amino acid position is conserved. In addition, this alteration is predicted to be tolerated by in silico analysis. Based on the available evidence, the clinical significance of this variant remains unclear.

NM_024598.4(USB1):c.421C>G (p.Leu141Val)

Gene: USB1 (U6 snRNA biogenesis phosphodiesterase 1; plus strand). Cytogenetic location: 16q21.
Variant type: single nucleotide variant.
Coding change: c.421C>G on transcript NM_024598.4 (MANE Select); coding-DNA position 421, C replaced by G.
Protein change: p.Leu141Val; replaces leucine 141 with valine.
Molecular consequence: missense variant.
Genome position (GRCh38, 1-based): chr16:58,010,084, C>G. VCF-style: chr16-58010084-C-G. GRCh37 (hg19) VCF-style: chr16-58043988-C-G.
Other names: c.421C>G, p.Leu141Val (NM_001330569.2, NM_001195302.2, NM_001204911.2); c.268C>G, p.Leu90Val (NM_001330568.2); short protein forms L90V, L141V.
Identifiers: ClinVar variation 5031618 (VCV005031618.1).